The following is an entry in ClinVar:

ClinVar aggregate classification (germline): Likely pathogenic (1 of 4 stars; one submission).

Conditions:
Acyl-CoA oxidase deficiency. Also called: STRAIGHT-CHAIN ACYL-CoA OXIDASE DEFICIENCY; Pseudoneonatal adrenoleukodystrophy; Peroxisomal acyl-CoA oxidase deficiency. Identifiers: Orphanet 2971, MedGen C1849678, MONDO:0009919, OMIM 264470. Disease mechanism: loss of function.

Submission:

Labcorp Genetics (formerly Invitae), Labcorp
Classification: Likely pathogenic for Acyl-CoA oxidase deficiency. Last evaluated: 2023-07-28. Review status: criteria provided, single submitter. Criteria: Invitae Variant Classification Sherloc (09022015). Collection method: clinical testing. Allele origin: germline.
Comment: In summary, the currently available evidence indicates that the variant is pathogenic, but additional data are needed to prove that conclusively. Therefore, this variant has been classified as Likely Pathogenic. Algorithms developed to predict the effect of sequence changes on RNA splicing suggest that this variant may disrupt the consensus splice site. This variant has not been reported in the literature in individuals affected with ACOX1-related conditions. This variant is not present in population databases (gnomAD no frequency). This sequence change affects a donor splice site in intron 7 of the ACOX1 gene. It is expected to disrupt RNA splicing. Variants that disrupt the donor or acceptor splice site typically lead to a loss of protein function (PMID: 16199547), and loss-of-function variants in ACOX1 are known to be pathogenic (PMID: 8040306, 17458872).

Literature cited by the submitters: PubMed 16199547; PubMed 8040306; PubMed 17458872.

NM_004035.7(ACOX1):c.944+1G>T

Gene: ACOX1 (acyl-CoA oxidase 1; minus strand). Cytogenetic location: 17q25.1.
Variant type: single nucleotide variant.
Coding change: c.944+1G>T on transcript NM_004035.7 (MANE Select); the canonical splice donor site of the intron after coding-DNA position 944, G replaced by T.
Molecular consequence: splice donor variant.
Genome position (GRCh38, 1-based): chr17:75,953,450, C>A on the plus strand (G>T on the coding strand, the complement: ACOX1 is on the minus strand). VCF-style: chr17-75953450-C-A. GRCh37 (hg19) VCF-style: chr17-73949531-C-A.
Other names: c.944+1G>T (NM_007292.6); c.830+1G>T (NM_001185039.2).
Identifiers: ClinVar variation 2747642 (VCV002747642.3), dbSNP rs2546077768, ClinGen allele CA401065034.